The following is an entry in ClinVar:

ClinVar aggregate classification (germline): Uncertain significance (1 of 4 stars; one submission).

Conditions:
Immunodeficiency 132A. Also called: Herpes simplex encephalitis, susceptibility to, 3. Identifiers: Orphanet 1930, MedGen C3553868, MONDO:0013920, OMIM 614849.

Submission:

Labcorp Genetics (formerly Invitae), Labcorp
Classification: Uncertain significance for Immunodeficiency 132A. Last evaluated: 2025-08-24. Review status: criteria provided, single submitter. Criteria: Invitae Variant Classification Sherloc (09022015). Collection method: clinical testing. Allele origin: germline.
Comment: This sequence change replaces valine, which is neutral and non-polar, with methionine, which is neutral and non-polar, at codon 257 of the TRAF3 protein (p.Val257Met). The frequency data for this variant in the population databases is considered unreliable, as metrics indicate poor data quality at this position in the gnomAD database. This variant has not been reported in the literature in individuals affected with TRAF3-related conditions. ClinVar contains an entry for this variant (Variation ID: 3669702). An algorithm developed to predict the effect of missense changes on protein structure and function (PolyPhen-2) suggests that this variant is likely to be disruptive. In summary, the available evidence is currently insufficient to determine the role of this variant in disease. Therefore, it has been classified as a Variant of Uncertain Significance.

NM_145725.3(TRAF3):c.769G>A (p.Val257Met)

Gene: TRAF3 (TNF receptor associated factor 3; plus strand). Cytogenetic location: 14q32.32.
Variant type: single nucleotide variant.
Coding change: c.769G>A on transcript NM_145725.3 (MANE Select); coding-DNA position 769, G replaced by A.
Protein change: p.Val257Met; replaces valine 257 with methionine.
Molecular consequence: missense variant. On other transcripts: intron variant (1).
Genome position (GRCh38, 1-based): chr14:102,891,367, G>A. VCF-style: chr14-102891367-G-A. GRCh37 (hg19) VCF-style: chr14-103357704-G-A.
Other names: c.769G>A, p.Val257Met (NM_001385142.1, NM_003300.4); c.688G>A, p.Val230Met (NM_001385143.1); c.694G>A, p.Val232Met (NM_145726.3); c.571-5894G>A (NM_001199427.2); short protein forms V257M, V230M, V232M.
Identifiers: ClinVar variation 3669702 (VCV003669702.2).
Genomic context (GRCh38, chr14:102,891,367, plus strand): 5'-ACATGTTTGCTCTCGCAGGGGACAAACCAGCAGATCAAGGCCCACGAGGCCAGCTCCGCC[G>A]TGCAGCACGTCAACCTGCTGAAGGAGTGGAGCAACTCGCTCGAAAAGAAGGTGGGCTGCA-3'
Protein context (NP_663777.1, residues 247-267): QIKAHEASSA[Val257Met]QHVNLLKEWS